The following is an entry in ClinVar:

ClinVar aggregate classification (germline): Conflicting classifications of pathogenicity. Review status: criteria provided, conflicting classifications (1 of 4 stars). 2 submissions from 2 submitters: Uncertain significance (1); Likely benign (1). Last evaluated 2025-06-03.

Conditions:
Inborn genetic diseases. Identifiers: MedGen C0950123, MeSH D030342.

Allele frequency attached by ClinVar (database versions not stated): gnomAD exomes 0.00001; ExAC 0.00002; TOPMed 0.00003; gnomAD 0.00005; 1000 Genomes Project 30x 0.00016; 1000 Genomes Project 0.00020.
gnomAD v4.1: 10 of 1,611,724 alleles (0.00062%); highest among the groups gnomAD compares: African/African-American, 0.012%; no homozygotes.

Submissions (2):

Ambry Genetics
Classification: Likely benign for Inborn genetic diseases. Last evaluated: 2025-06-03. Review status: criteria provided, single submitter. Criteria: Ambry Variant Classification Scheme 2023. Collection method: clinical testing. Allele origin: germline.

Labcorp Genetics (formerly Invitae), Labcorp
Classification: Uncertain significance. Last evaluated: 2022-08-31. Review status: criteria provided, single submitter. Criteria: Invitae Variant Classification Sherloc (09022015). Collection method: clinical testing. Allele origin: germline.
Comment: This sequence change replaces isoleucine, which is neutral and non-polar, with valine, which is neutral and non-polar, at codon 1514 of the ASPM protein (p.Ile1514Val). This variant is present in population databases (rs570989564, gnomAD 0.02%). This variant has not been reported in the literature in individuals affected with ASPM-related conditions. Algorithms developed to predict the effect of missense changes on protein structure and function output the following: SIFT: "Tolerated"; PolyPhen-2: "Benign"; Align-GVGD: "Class C0". The valine amino acid residue is found in multiple mammalian species, which suggests that this missense change does not adversely affect protein function. In summary, the available evidence is currently insufficient to determine the role of this variant in disease. Therefore, it has been classified as a Variant of Uncertain Significance.

NM_018136.5(ASPM):c.4540A>G (p.Ile1514Val)

Gene: ASPM (assembly factor for spindle microtubules; minus strand). Cytogenetic location: 1q31.3.
Variant type: single nucleotide variant.
Coding change: c.4540A>G on transcript NM_018136.5 (MANE Select); coding-DNA position 4540, A replaced by G.
Protein change: p.Ile1514Val; replaces isoleucine 1514 with valine.
Molecular consequence: missense variant. On other transcripts: intron variant (1).
Genome position (GRCh38, 1-based): chr1:197,104,711, T>C on the plus strand (A>G on the coding strand, the complement: ASPM is on the minus strand). VCF-style: chr1-197104711-T-C. GRCh37 (hg19) VCF-style: chr1-197073841-T-C.
Other names: c.4066-8547A>G (NM_001206846.2); c.4540A>G (NM_018136.4); short protein forms I1514V.
Identifiers: ClinVar variation 1900258 (VCV001900258.6), dbSNP rs570989564, ClinGen allele CA1309913.